The following is an entry in ClinVar:

NM_015662.3(IFT172):c.691del (p.Thr231fs)

Gene: IFT172 (intraflagellar transport 172; minus strand). Cytogenetic location: 2p23.3.
Variant type: Deletion.
Coding change: c.691del on transcript NM_015662.3 (MANE Select); coding-DNA position 691, one base deleted (A; older notation c.691delA).
Protein change: p.Thr231fs; shifts the reading frame from threonine 231.
Molecular consequence: frameshift variant.
Genome position (GRCh38, 1-based): chr2:27,481,140, T deleted on the plus strand (A on the coding strand, the reverse complement: IFT172 is on the minus strand); the first of 3 consecutive T bases (chr2:27,481,140-27,481,142); deleting any one gives the same sequence. VCF-style (leftmost placement, unchanged base first): chr2-27481139-GT-G. GRCh37 (hg19) VCF-style: chr2-27704006-GT-G.
Other names: c.689delA, p.Thr231Leufs (NM_001410739.1); short protein forms T231fs.
Identifiers: ClinVar variation 2115892 (VCV002115892.4), dbSNP rs2466009165, ClinGen allele CA2580066245.
Genomic context (GRCh38, chr2:27,481,139, plus strand): 5'-CCAGGACTTGATACAGCTGTGGTGAACTCCCGCTCCTGAGGGTCACGGCTATAATCAAAA[GT>G]TTGTAGCATGTGACCTTCTTTTCCATAGGCTACAATTTTCCGATCACAGCCTGCAGCCAC-3'

ClinVar aggregate classification (germline): Pathogenic (1 of 4 stars; one submission).

Conditions:
Short-rib thoracic dysplasia 10 with or without polydactyly (SRTD10). Identifiers: Orphanet 474, MedGen C3810175, MONDO:0014284, OMIM 615630.
Retinitis pigmentosa 71 (RP71). Identifiers: Orphanet 791, MedGen C4225342, MONDO:0014618, OMIM 616394.

Submission:

Labcorp Genetics (formerly Invitae), Labcorp
Classification: Pathogenic for Retinitis pigmentosa 71; Short-rib thoracic dysplasia 10 with or without polydactyly. Last evaluated: 2022-03-23. Review status: criteria provided, single submitter. Criteria: Invitae Variant Classification Sherloc (09022015). Collection method: clinical testing. Allele origin: germline.
Comment: For these reasons, this variant has been classified as Pathogenic. This variant has not been reported in the literature in individuals affected with IFT172-related conditions. This variant is not present in population databases (gnomAD no frequency). This sequence change creates a premature translational stop signal (p.Thr231Leufs*27) in the IFT172 gene. It is expected to result in an absent or disrupted protein product. Loss-of-function variants in IFT172 are known to be pathogenic (PMID: 24140113).

Literature cited by the submitters: PubMed 24140113.